The following is an entry in ClinVar:

NM_003924.4(PHOX2B):c.486C>T (p.Ala162=)

Gene: PHOX2B (paired like homeobox 2B; minus strand). Cytogenetic location: 4p13.
Variant type: single nucleotide variant.
Coding change: c.486C>T on transcript NM_003924.4 (MANE Select); coding-DNA position 486, C replaced by T.
Protein change: p.Ala162=; no amino-acid change (alanine 162 retained).
Molecular consequence: synonymous variant.
Genome position (GRCh38, 1-based): chr4:41,746,266, G>A on the plus strand (C>T on the coding strand, the complement: PHOX2B is on the minus strand). VCF-style: chr4-41746266-G-A. GRCh37 (hg19) VCF-style: chr4-41748283-G-A.
Identifiers: ClinVar variation 486031 (VCV000486031.19), dbSNP rs547677836, ClinGen allele CA2901490.

ClinVar aggregate classification (germline): Benign/Likely benign. Review status: criteria provided, multiple submitters, no conflicts (2 of 4 stars). 4 submissions from 3 submitters: Benign (1); Likely benign (3). Last evaluated 2025-10-13.

Conditions:
Hereditary cancer-predisposing syndrome. Also called: Hereditary Cancer Syndrome; Hereditary neoplastic syndrome; Tumor predisposition; Neoplastic Syndromes, Hereditary. Identifiers: Orphanet 140162, MedGen C0027672, MeSH D009386, MONDO:0015356.
Haddad syndrome (OHD). Also called: Ondine-Hirschsprung disease. Identifiers: Orphanet 99803, MedGen C1859049, MONDO:0020493.
Congenital central hypoventilation. Also called: Congenital Central Hypoventilation Syndrome. Identifiers: Orphanet 661, Orphanet 99803, MedGen C1275808, MONDO:0800031. Disease mechanism: gain of function.
Neuroblastoma, susceptibility to, 2. Identifiers: Orphanet 635, MedGen C2751682, MONDO:0700041, OMIM 613013.

Allele frequency attached by ClinVar (database versions not stated): TOPMed 0.00002; 1000 Genomes Project 30x 0.00031; 1000 Genomes Project 0.00040.

Submissions (4):

Labcorp Genetics (formerly Invitae), Labcorp
Classification: Likely benign for Haddad syndrome. Last evaluated: 2025-10-13. Review status: criteria provided, single submitter. Criteria: Invitae Variant Classification Sherloc (09022015). Collection method: clinical testing. Allele origin: germline.

Illumina Laboratory Services, Illumina
Classification: Benign for Central hypoventilation syndrome, congenital, 1, with or without Hirschsprung disease. Last evaluated: 2018-01-13. Review status: criteria provided, single submitter. Criteria: ICSL Variant Classification Criteria 13 December 2019. Collection method: clinical testing. Allele origin: germline.
Comment: This variant was observed in the ICSL laboratory as part of a predisposition screen in an ostensibly healthy population. It had not been previously curated by ICSL or reported in the Human Gene Mutation Database (HGMD: prior to June 1st, 2018), and was therefore a candidate for classification through an automated scoring system. Utilizing variant allele frequency, disease prevalence and penetrance estimates, and inheritance mode, an automated score was calculated to assess if this variant is too frequent to cause the disease. Based on the score and internal cut-off values, a variant classified as benign is not then subjected to further curation. The score for this variant resulted in a classification of benign for this disease.

Illumina Laboratory Services, Illumina
Classification: Likely benign for Neuroblastoma, susceptibility to, 2. Last evaluated: 2018-01-13. Review status: criteria provided, single submitter. Criteria: ICSL Variant Classification Criteria 13 December 2019. Collection method: clinical testing. Allele origin: germline.
Comment: This variant was observed in the ICSL laboratory as part of a predisposition screen in an ostensibly healthy population. It had not been previously curated by ICSL or reported in the Human Gene Mutation Database (HGMD: prior to June 1st, 2018), and was therefore a candidate for classification through an automated scoring system. Utilizing variant allele frequency, disease prevalence and penetrance estimates, and inheritance mode, an automated score was calculated to assess if this variant is too frequent to cause the disease. Based on the score and internal cut-off values, a variant classified as likely benign is not then subjected to further curation. The score for this variant resulted in a classification of likely benign for this disease.

Ambry Genetics
Classification: Likely benign for Hereditary cancer-predisposing syndrome. Last evaluated: 2017-09-20. Review status: criteria provided, single submitter. Criteria: Ambry Variant Classification Scheme 2023. Collection method: clinical testing. Allele origin: germline.